The following is an entry in ClinVar:

ClinVar aggregate classification (germline): Uncertain significance (0 of 4 stars; one submission).

Conditions:
ERBB4-related disorder. Also called: ERBB4-related condition.

Submission:

PreventionGenetics, part of Exact Sciences
Classification: Uncertain significance for ERBB4-related condition. Last evaluated: 2023-12-06. Review status: no assertion criteria provided. Collection method: clinical testing. Allele origin: germline.
Comment: The ERBB4 c.3002G>T variant is predicted to result in the amino acid substitution p.Ser1001Ile. To our knowledge, this variant has not been reported in the literature or in a large population database, indicating this variant is rare. At this time, the clinical significance of this variant is uncertain due to the absence of conclusive functional and genetic evidence.

NM_005235.3(ERBB4):c.3002G>T (p.Ser1001Ile)

Gene: ERBB4 (erb-b2 receptor tyrosine kinase 4; minus strand). Cytogenetic location: 2q34.
Variant type: single nucleotide variant.
Coding change: c.3002G>T on transcript NM_005235.3 (MANE Select); coding-DNA position 3002, G replaced by T.
Protein change: p.Ser1001Ile; replaces serine 1001 with isoleucine.
Molecular consequence: missense variant.
Genome position (GRCh38, 1-based): chr2:211,420,574, C>A on the plus strand (G>T on the coding strand, the complement: ERBB4 is on the minus strand). VCF-style: chr2-211420574-C-A. GRCh37 (hg19) VCF-style: chr2-212285299-C-A.
Other names: c.3002G>T, p.Ser1001Ile (NM_001042599.2); short protein forms S1001I.
Identifiers: ClinVar variation 3348563 (VCV003348563.1).